The following is an entry in ClinVar:

ClinVar aggregate classification (germline): Uncertain significance (1 of 4 stars; one submission).

Submission:

CeGaT Center for Human Genetics Tuebingen
Classification: Uncertain significance. Last evaluated: 2026-02-01. Review status: criteria provided, single submitter. Criteria: CeGaT Center For Human Genetics Tuebingen Variant Classification Criteria Version 2. Collection method: clinical testing. Allele origin: germline. Affected: yes. Observed: 1 variant allele.
Comment: CACNA1G: PM2

NM_018896.5(CACNA1G):c.3158G>C (p.Ser1053Thr)

Gene: CACNA1G (calcium voltage-gated channel subunit alpha1 G; plus strand). Cytogenetic location: 17q21.33.
Variant type: single nucleotide variant.
Coding change: c.3158G>C on transcript NM_018896.5 (MANE Select); coding-DNA position 3158, G replaced by C.
Protein change: p.Ser1053Thr; replaces serine 1053 with threonine.
Molecular consequence: missense variant. On other transcripts: non-coding transcript variant (5).
Genome position (GRCh38, 1-based): chr17:50,596,823, G>C. VCF-style: chr17-50596823-G-C. GRCh37 (hg19) VCF-style: chr17-48674184-G-C.
Other names: c.3158G>C, p.Ser1053Thr (NM_001256324.2, NM_001256325.2, NM_001256326.2 and 16 more transcripts); c.3089G>C, p.Ser1030Thr (NM_001256332.2, NM_198376.3, NM_198379.3 and 5 more transcripts); short protein forms S1030T, S1053T.
Identifiers: ClinVar variation 4823406 (VCV004823406.4).
Genomic context (GRCh38, chr17:50,596,823, plus strand): 5'-AGAGCCTGCTGCCGCCTCTCATCATCCACACGGCCGCCACACCCATGTCGCTGCCCAAGA[G>C]CACCAGCACGGGCCTGGGCGAGGCGCTGGGCCCTGCGTCGCGCCGCACCAGCAGCAGCGG-3'
Protein context (NP_061496.2, residues 1043-1063): TAATPMSLPK[Ser1053Thr]TSTGLGEALG